The following is an entry in ClinVar:

NM_007294.4(BRCA1):c.1843T>G (p.Ser615Ala)

Gene: BRCA1 (BRCA1 DNA repair associated; minus strand). Cytogenetic location: 17q21.31.
Variant type: single nucleotide variant.
Coding change: c.1843T>G on transcript NM_007294.4 (MANE Select); coding-DNA position 1843, T replaced by G.
Protein change: p.Ser615Ala; replaces serine 615 with alanine.
Molecular consequence: missense variant. On other transcripts: intron variant (137).
Genome position (GRCh38, 1-based): chr17:43,093,688, A>C on the plus strand (T>G on the coding strand, the complement: BRCA1 is on the minus strand). VCF-style: chr17-43093688-A-C. GRCh37 (hg19) VCF-style: chr17-41245705-A-C.
Other names: c.1630T>G, p.Ser544Ala (NM_001407571.1, NM_001407853.1, NM_001407894.1 and 9 more transcripts); c.1843T>G, p.Ser615Ala (NM_001407581.1, NM_001407582.1, NM_001407583.1 and 30 more transcripts); c.1840T>G, p.Ser614Ala (NM_001407587.1, NM_001407590.1, NM_001407591.1 and 22 more transcripts); c.1834T>G, p.Ser612Ala (NM_001407646.1, NM_001407647.1); c.1720T>G, p.Ser574Ala (NM_001407648.1, NM_001407664.1, NM_001407665.1 and 19 more transcripts); c.1717T>G, p.Ser573Ala (NM_001407649.1, NM_001407670.1, NM_001407671.1 and 11 more transcripts); c.1765T>G, p.Ser589Ala (NM_001407653.1, NM_001407654.1, NM_001407655.1 and 4 more transcripts); c.1762T>G, p.Ser588Ala (NM_001407659.1, NM_001407660.1, NM_001407661.1 and 1 more transcripts); and 40 more; short protein forms S615A, S568A, S503A, S573A, S574A, S589A, S319A, S488A.
Identifiers: ClinVar variation 939128 (VCV000939128.12), dbSNP rs1384752453, ClinGen allele CA10598331.

ClinVar aggregate classification (germline): Conflicting classifications of pathogenicity. Review status: criteria provided, conflicting classifications (1 of 4 stars). 3 submissions from 3 submitters: Uncertain significance (2); Likely benign (1). Last evaluated 2025-04-01.

Conditions:
Hereditary cancer-predisposing syndrome. Also called: Hereditary neoplastic syndrome; Neoplastic Syndromes, Hereditary; Tumor predisposition; Hereditary Cancer Syndrome. Identifiers: Orphanet 140162, MedGen C0027672, MeSH D009386, MONDO:0015356.
Hereditary breast ovarian cancer syndrome. Also called: Hereditary breast and/or ovarian cancer syndrome; Hereditary breast and ovarian cancer syndrome; Hereditary breast and ovarian cancer; Hereditary breast and ovarian cancer syndrome (HBOC); Breast and ovarian cancer; BRCA1- and BRCA2-Associated Hereditary Breast and Ovarian Cancer. Identifiers: Orphanet 145, MedGen C0677776, MeSH D061325, MONDO:0003582. Disease mechanism: loss of function.

Submissions (3):

Ambry Genetics
Classification: Uncertain significance for Hereditary cancer-predisposing syndrome. Last evaluated: 2025-04-01. Review status: criteria provided, single submitter. Criteria: Ambry Variant Classification Scheme 2023. Collection method: clinical testing. Allele origin: germline.
Comment: The p.S615A variant (also known as c.1843T>G), located in coding exon 9 of the BRCA1 gene, results from a T to G substitution at nucleotide position 1843. The serine at codon 615 is replaced by alanine, an amino acid with similar properties. This amino acid position is not well conserved in available vertebrate species. In addition, the in silico prediction for this alteration is inconclusive. Based on the available evidence, the clinical significance of this variant remains unclear.

University of Washington Department of Laboratory Medicine, University of Washington
Classification: Likely benign for Hereditary cancer-predisposing syndrome. Last evaluated: 2023-03-23. Review status: criteria provided, single submitter. Criteria: Dines et al. (Genet Med. 2020). Collection method: curation. Allele origin: germline.
Comment: Missense variant in a coldspot region where missense variants are very unlikely to be pathogenic (PMID:31911673).

BRCA1 coldspot (exon 11 using historical exon numbering). Reclassification based on statistical prior probability

Labcorp Genetics (formerly Invitae), Labcorp
Classification: Uncertain significance for Hereditary breast ovarian cancer syndrome. Last evaluated: 2021-10-04. Review status: criteria provided, single submitter. Criteria: Invitae Variant Classification Sherloc (09022015). Collection method: clinical testing. Allele origin: germline.
Comment: Algorithms developed to predict the effect of missense changes on protein structure and function (SIFT, PolyPhen-2, Align-GVGD) all suggest that this variant is likely to be tolerated. This variant has not been reported in the literature in individuals affected with BRCA1-related conditions. This variant is not present in population databases (ExAC no frequency). This sequence change replaces serine with alanine at codon 615 of the BRCA1 protein (p.Ser615Ala). The serine residue is moderately conserved and there is a moderate physicochemical difference between serine and alanine. In summary, the available evidence is currently insufficient to determine the role of this variant in disease. Therefore, it has been classified as a Variant of Uncertain Significance.